The following is an entry in ClinVar:

ClinVar aggregate classification (germline): Likely benign. Review status: criteria provided, single submitter (1 of 4 stars). 2 submissions from 2 submitters: Likely benign (1). 1 of the submissions does not count toward it. Last evaluated 2025-12-08.

Conditions:
NPHP3-related disorder. Also called: NPHP3-related condition; NPHP3-related disorders. Identifiers: MedGen CN379163.
Nephronophthisis. Also called: Juvenile Nephronophthisis. Identifiers: Orphanet 655, MedGen C0687120, MONDO:0019005, HP:0000090.

Allele frequency attached by ClinVar (database versions not stated): gnomAD 0.00001; gnomAD exomes 0.00001; TOPMed 0.00002.
gnomAD v4.1: 19 of 1,613,998 alleles (0.0012%); highest among the groups gnomAD compares: Non-Finnish European, 0.0016%; no homozygotes.

Submissions (2):

Labcorp Genetics (formerly Invitae), Labcorp
Classification: Likely benign for Nephronophthisis. Last evaluated: 2025-12-08. Review status: criteria provided, single submitter. Criteria: Invitae Variant Classification Sherloc (09022015). Collection method: clinical testing. Allele origin: germline.

PreventionGenetics, part of Exact Sciences
Classification: Likely benign for NPHP3-related condition. Last evaluated: 2019-06-05. Review status: no assertion criteria provided. Collection method: clinical testing. Allele origin: germline. Not counted in ClinVar's aggregate classification.
Comment: This variant is classified as likely benign based on ACMG/AMP sequence variant interpretation guidelines (Richards et al. 2015 PMID: 25741868, with internal and published modifications).

NM_153240.5(NPHP3):c.3036G>A (p.Leu1012=)

Genes: NPHP3 (nephrocystin 3; minus strand), NPHP3-ACAD11 (NPHP3-ACAD11 readthrough (NMD candidate); minus strand). Cytogenetic location: 3q22.1.
Variant type: single nucleotide variant.
Coding change: c.3036G>A on transcript NM_153240.5 (MANE Select); coding-DNA position 3036, G replaced by A.
Protein change: p.Leu1012=; no amino-acid change (leucine 1012 retained).
Molecular consequence: synonymous variant. On other transcripts: non-coding transcript variant (1).
Genome position (GRCh38, 1-based): chr3:132,688,739, C>T on the plus strand (G>A on the coding strand, the complement: NPHP3 is on the minus strand). VCF-style: chr3-132688739-C-T. GRCh37 (hg19) VCF-style: chr3-132407583-C-T.
Other names: c.3036G>A (NM_153240.4).
Identifiers: ClinVar variation 1111143 (VCV001111143.10), dbSNP rs1036061016, ClinGen allele CA83584749.
Genomic context (GRCh38, chr3:132,688,739, plus strand): 5'-TGCTTCAAGTTCACGAGCAGTATATGGATGGTCCGCACCATAAGCATTTTCTGAGATTTC[C>T]AACGCCTGTTTATACAGTTGTTCTGCATTGCCAAACTTCTTCCACTGCACGTATACACTT-3'
Protein context (NP_694972.3, residues 1002-1022): GNAEQLYKQA[Leu1012=]EISENAYGAD